The following is an entry in ClinVar:

NM_001375567.1(FOCAD):c.656A>G (p.Gln219Arg)

Gene: FOCAD (focadhesin; plus strand). Cytogenetic location: 9p21.3.
Variant type: single nucleotide variant.
Coding change: c.656A>G on transcript NM_001375567.1 (MANE Select); coding-DNA position 656, A replaced by G.
Protein change: p.Gln219Arg; replaces glutamine 219 with arginine.
Molecular consequence: missense variant.
Genome position (GRCh38, 1-based): chr9:20,765,030, A>G. VCF-style: chr9-20765030-A-G. GRCh37 (hg19) VCF-style: chr9-20765029-A-G.
Other names: c.656A>G, p.Gln219Arg (NM_001375568.1, NM_017794.5); c.551A>G, p.Gln184Arg (NM_001375570.1); short protein forms Q219R, Q184R.
Identifiers: ClinVar variation 3632427 (VCV003632427.2).
Genomic context (GRCh38, chr9:20,765,030, plus strand): 5'-TGAAAGTCTTACTTCAACCCCAGGTTCTTTGTGACAAAGATCAACCATCAATACTGGAAC[A>G]GCAGATACTTCAACTGTGTTGTGACATAGTTCCATGTTTGCAGGTAAGGTCTTTGTCCTC-3'
Protein context (NP_001362496.1, residues 209-229): CDKDQPSILE[Gln219Arg]QILQLCCDIV

ClinVar aggregate classification (germline): Uncertain significance (1 of 4 stars; one submission).

gnomAD v4.1: 6 of 1,614,008 alleles (0.00037%); highest among the groups gnomAD compares: Non-Finnish European, 0.00042%; no homozygotes.

Submission:

Labcorp Genetics (formerly Invitae), Labcorp
Classification: Uncertain significance. Last evaluated: 2024-02-11. Review status: criteria provided, single submitter. Criteria: Invitae Variant Classification Sherloc (09022015). Collection method: clinical testing. Allele origin: germline.
Comment: This sequence change replaces glutamine, which is neutral and polar, with arginine, which is basic and polar, at codon 219 of the FOCAD protein (p.Gln219Arg). This variant is present in population databases (rs771055520, gnomAD 0.002%). This variant has not been reported in the literature in individuals affected with FOCAD-related conditions. Experimental studies and prediction algorithms are not available or were not evaluated, and the functional significance of this variant is currently unknown. In summary, the available evidence is currently insufficient to determine the role of this variant in disease. Therefore, it has been classified as a Variant of Uncertain Significance.